The following is an entry in ClinVar:

ClinVar aggregate classification (germline): Uncertain significance (1 of 4 stars; one submission).

Conditions:
Hereditary cancer-predisposing syndrome. Also called: Hereditary neoplastic syndrome; Hereditary Cancer Syndrome; Neoplastic Syndromes, Hereditary; Tumor predisposition. Identifiers: Orphanet 140162, MedGen C0027672, MeSH D009386, MONDO:0015356.

Submission:

Ambry Genetics
Classification: Uncertain significance for Hereditary cancer-predisposing syndrome. Last evaluated: 2023-04-16. Review status: criteria provided, single submitter. Criteria: Ambry Variant Classification Scheme 2023. Collection method: clinical testing. Allele origin: germline.
Comment: The p.L1033I variant (also known as c.3097C>A), located in coding exon 19 of the ALK gene, results from a C to A substitution at nucleotide position 3097. The leucine at codon 1033 is replaced by isoleucine, an amino acid with highly similar properties. This amino acid position is conserved. In addition, this alteration is predicted to be tolerated by in silico analysis. Since supporting evidence is limited at this time, the clinical significance of this alteration remains unclear.

NM_004304.5(ALK):c.3097C>A (p.Leu1033Ile)

Gene: ALK (ALK receptor tyrosine kinase; minus strand). Cytogenetic location: 2p23.2.
Variant type: single nucleotide variant.
Coding change: c.3097C>A on transcript NM_004304.5 (MANE Select); coding-DNA position 3097, C replaced by A.
Protein change: p.Leu1033Ile; replaces leucine 1033 with isoleucine.
Molecular consequence: missense variant.
Genome position (GRCh38, 1-based): chr2:29,225,536, G>T on the plus strand (C>A on the coding strand, the complement: ALK is on the minus strand). VCF-style: chr2-29225536-G-T. GRCh37 (hg19) VCF-style: chr2-29448402-G-T.
Other names: short protein forms L1033I.
Identifiers: ClinVar variation 2566573 (VCV002566573.2), dbSNP rs139365887, ClinGen allele CA346467002.
Genomic context (GRCh38, chr2:29,225,536, plus strand): 5'-AGAAAGCCAGGACCAGGGCGGCCACGAGGGCAGAGGTCACCACAGAGAGGATCAGCGAGA[G>T]TGGCAGGTGTGGCTCCGGGGTGGGTGACACTGGAAGACAGGTCCCACTGGGGTATTGACA-3'
Protein context (NP_004295.2, residues 1023-1043): VSPTPEPHLP[Leu1033Ile]SLILSVVTSA